The following is an entry in ClinVar:

NM_004415.4(DSP):c.2184T>C (p.Asp728=)

Gene: DSP (desmoplakin; plus strand). Cytogenetic location: 6p24.3.
Variant type: single nucleotide variant.
Coding change: c.2184T>C on transcript NM_004415.4 (MANE Select); coding-DNA position 2184, T replaced by C.
Protein change: p.Asp728=; no amino-acid change (aspartic acid 728 retained).
Molecular consequence: synonymous variant.
Genome position (GRCh38, 1-based): chr6:7,574,139, T>C. VCF-style: chr6-7574139-T-C. GRCh37 (hg19) VCF-style: chr6-7574372-T-C.
Other names: c.2184T>C, p.Asp728= (NM_001008844.3, NM_001319034.2).
Identifiers: ClinVar variation 921926 (VCV000921926.10), dbSNP rs750383681, ClinGen allele CA448526444.

ClinVar aggregate classification (germline): Likely benign. Review status: criteria provided, multiple submitters, no conflicts (2 of 4 stars). 4 submissions from 4 submitters: Likely benign (4). Last evaluated 2025-07-21.

Conditions:
Arrhythmogenic cardiomyopathy with wooly hair and keratoderma. Also called: PALMOPLANTAR KERATODERMA WITH LEFT VENTRICULAR CARDIOMYOPATHY AND WOOLLY HAIR; Carvajal syndrome; Dilated cardiomyopathy with woolly hair and keratoderma; Arrhythmogenic cardiomyopathy with woolly hair and keratoderma. Identifiers: Orphanet 65282, MedGen C1854063, MONDO:0011581, OMIM 605676.
Arrhythmogenic right ventricular dysplasia 8 (ARVD8). Also called: Arrhythmogenic Right Ventricular Dysplasia/Cardiomyopathy 8; ARRHYTHMOGENIC RIGHT VENTRICULAR DYSPLASIA, FAMILIAL, 8; ARRHYTHMOGENIC RIGHT VENTRICULAR CARDIOMYOPATHY 8. Identifiers: MedGen C1843896, MONDO:0011831, OMIM 607450.
Cardiovascular phenotype. Identifiers: MedGen CN230736.
Cardiomyopathy (CMYO). Also called: Cardiomyopathies. Identifiers: Orphanet 167848, MedGen C0878544, MONDO:0004994, HP:0001638. Inheritance: Various modes of inheritance.

Allele frequency attached by ClinVar (database versions not stated): TOPMed below 0.00001.
gnomAD v4.1: 1 of 1,614,138 alleles (0.000062%); highest among the groups gnomAD compares: Non-Finnish European, 0.000085%; no homozygotes.

Submissions (4):

Labcorp Genetics (formerly Invitae), Labcorp
Classification: Likely benign for Arrhythmogenic cardiomyopathy with wooly hair and keratoderma; Arrhythmogenic right ventricular dysplasia 8. Last evaluated: 2025-07-21. Review status: criteria provided, single submitter. Criteria: Invitae Variant Classification Sherloc (09022015). Collection method: clinical testing. Allele origin: germline.

All of Us Research Program, National Institutes of Health
Classification: Likely benign for Arrhythmogenic cardiomyopathy with wooly hair and keratoderma. Last evaluated: 2023-03-23. Review status: criteria provided, single submitter. Criteria: ACMG Guidelines, 2015. Collection method: clinical testing. Allele origin: germline. Inheritance: Autosomal dominant inheritance. Observed: 1 variant allele, 1 heterozygote.
Comment: This study involves interpretation of variants in research participants for the purpose of population health screening. Participant phenotype was not available at the time of variant classification. Additional details can be found in publication PMID: 35346344, PMCID: PMC8962531

Ambry Genetics
Classification: Likely benign for Cardiovascular phenotype. Last evaluated: 2020-01-03. Review status: criteria provided, single submitter. Criteria: Ambry Variant Classification Scheme 2023. Collection method: clinical testing. Allele origin: germline.

Color Diagnostics, LLC DBA Color Health
Classification: Likely benign for Cardiomyopathy. Last evaluated: 2019-02-28. Review status: criteria provided, single submitter. Criteria: ACMG Guidelines, 2015. Collection method: clinical testing. Allele origin: germline.